The following is an entry in ClinVar:

NM_006947.4(SRP72):c.685C>T (p.His229Tyr)

Gene: SRP72 (signal recognition particle 72; plus strand). Cytogenetic location: 4q12.
Variant type: single nucleotide variant.
Coding change: c.685C>T on transcript NM_006947.4 (MANE Select); coding-DNA position 685, C replaced by T.
Protein change: p.His229Tyr; replaces histidine 229 with tyrosine.
Molecular consequence: missense variant. On other transcripts: non-coding transcript variant (1), intron variant (1).
Genome position (GRCh38, 1-based): chr4:56,478,421, C>T. VCF-style: chr4-56478421-C-T. GRCh37 (hg19) VCF-style: chr4-57344587-C-T.
Other names: c.642+1719C>T (NM_001267722.2); short protein forms H229Y.
Identifiers: ClinVar variation 5030224 (VCV005030224.1).
Genomic context (GRCh38, chr4:56,478,421, plus strand): 5'-AACATTTCTTTCTCTTAGGATGGGACTGAGGAAGACCCACAGGCAGAACTGGCCATCATT[C>T]ATGGTCAGATGGCTTATATTCTGCAGCTTCAGGGTCGAACAGAGGAGGCTTTGCAACTTT-3'
Protein context (NP_008878.3, residues 219-239): EDPQAELAII[His229Tyr]GQMAYILQLQ

ClinVar aggregate classification (germline): Uncertain significance (1 of 4 stars; one submission).

Submission:

Ambry Genetics
Classification: Uncertain significance. Last evaluated: 2026-07-01. Review status: criteria provided, single submitter. Criteria: Ambry Variant Classification Scheme 2023. Collection method: clinical testing. Allele origin: germline.
Comment: The p.H229Y variant (also known as c.685C>T), located in coding exon 7 of the SRP72 gene, results from a C to T substitution at nucleotide position 685. The histidine at codon 229 is replaced by tyrosine, an amino acid with similar properties. This amino acid position is conserved. In addition, this alteration is predicted to be deleterious by in silico analysis. Based on the available evidence, the clinical significance of this variant remains unclear.